The following is an entry in ClinVar:

NM_001042492.3(NF1):c.205-16A>G

Gene: NF1 (neurofibromin 1; plus strand). Cytogenetic location: 17q11.2.
Variant type: single nucleotide variant.
Coding change: c.205-16A>G on transcript NM_001042492.3 (MANE Select); 16 bases into the intron before coding-DNA position 205, A replaced by G.
Molecular consequence: intron variant.
Genome position (GRCh38, 1-based): chr17:31,158,994, A>G. VCF-style: chr17-31158994-A-G. GRCh37 (hg19) VCF-style: chr17-29486012-A-G.
Other names: c.205-16A>G (NM_000267.4, NM_001128147.3).
Identifiers: ClinVar variation 1579660 (VCV001579660.9), dbSNP rs2143645089, ClinGen allele CA2573153529.

ClinVar aggregate classification (germline): Conflicting classifications of pathogenicity. Review status: criteria provided, conflicting classifications (1 of 4 stars). 2 submissions from 2 submitters: Uncertain significance (1); Likely benign (1). Last evaluated 2024-08-27.

Conditions:
Neurofibromatosis, type 1 (NF1). Also called: VON RECKLINGHAUSEN DISEASE; Peripheral type neurofibromatosis; NEUROFIBROMATOSIS, TYPE I, SOMATIC; Neurofibromatosis, type I. Identifiers: Orphanet 636, MedGen C0027831, MONDO:0018975, OMIM 162200. Disease mechanism: loss of function.
Hereditary cancer-predisposing syndrome. Also called: Neoplastic Syndromes, Hereditary; Hereditary neoplastic syndrome; Hereditary Cancer Syndrome; Tumor predisposition. Identifiers: Orphanet 140162, MedGen C0027672, MeSH D009386, MONDO:0015356.
Cardiovascular phenotype. Identifiers: MedGen CN230736.

gnomAD v4.1: 1 of 1,475,788 alleles (0.000068%); no homozygotes.

Submissions (2):

Labcorp Genetics (formerly Invitae), Labcorp
Classification: Likely benign for Neurofibromatosis, type 1. Last evaluated: 2024-08-27. Review status: criteria provided, single submitter. Criteria: Invitae Variant Classification Sherloc (09022015). Collection method: clinical testing. Allele origin: germline.

Ambry Genetics
Classification: Uncertain significance for Cardiovascular phenotype; Hereditary cancer-predisposing syndrome. Last evaluated: 2016-11-02. Review status: criteria provided, single submitter. Criteria: Ambry Variant Classification Scheme 2023. Collection method: clinical testing. Allele origin: germline.
Comment: The c.205-16A>G intronic alteration consists of a A to G substitution 16 nucleotides before coding exon 3 in the NF1 gene. Based on insufficient or conflicting evidence, the clinical significance of this alteration remains unclear.